The following is an entry in ClinVar:

ClinVar aggregate classification (germline): Uncertain significance (1 of 4 stars; one submission).

Conditions:
Cardiovascular phenotype. Identifiers: MedGen CN230736.

Submission:

Ambry Genetics
Classification: Uncertain significance for Cardiovascular phenotype. Last evaluated: 2025-06-28. Review status: criteria provided, single submitter. Criteria: Ambry Variant Classification Scheme 2023. Collection method: clinical testing. Allele origin: germline.
Comment: The p.W89R variant (also known as c.265T>C), located in coding exon 1 of the GATA4 gene, results from a T to C substitution at nucleotide position 265. The tryptophan at codon 89 is replaced by arginine, an amino acid with dissimilar properties. This amino acid position is conserved. In addition, the in silico prediction for this alteration is inconclusive. Based on the available evidence, the clinical significance of this variant remains unclear.

NM_001308093.3(GATA4):c.265T>C (p.Trp89Arg)

Gene: GATA4 (GATA binding protein 4). Cytogenetic location: 8p23.1.
Variant type: single nucleotide variant.
Coding change: c.265T>C on transcript NM_001308093.3 (MANE Select); coding-DNA position 265, T replaced by C.
Protein change: p.Trp89Arg; replaces tryptophan 89 with arginine.
Molecular consequence: missense variant. On other transcripts: intron variant (3).
Genome position (GRCh38, 1-based): chr8:11,708,577, T>C. VCF-style: chr8-11708577-T-C. GRCh37 (hg19) VCF-style: chr8-11566086-T-C.
Other names: c.265T>C, p.Trp89Arg (NM_002052.5); c.-6+7799T>C (NM_001308094.2); c.-3+563T>C (NM_001374274.1); c.-3+4273T>C (NM_001374273.1); short protein forms W89R.
Identifiers: ClinVar variation 4262166 (VCV004262166.1).